The following is an entry in ClinVar:

NM_001372.4(DNAH9):c.8414G>A (p.Arg2805His)

Gene: DNAH9 (dynein axonemal heavy chain 9; plus strand). Cytogenetic location: 17p12.
Variant type: single nucleotide variant.
Coding change: c.8414G>A on transcript NM_001372.4 (MANE Select); coding-DNA position 8414, G replaced by A.
Protein change: p.Arg2805His; replaces arginine 2805 with histidine.
Molecular consequence: missense variant.
Genome position (GRCh38, 1-based): chr17:11,797,787, G>A. VCF-style: chr17-11797787-G-A. GRCh37 (hg19) VCF-style: chr17-11701104-G-A.
Other names: c.8414G>A (NM_001372.3); short protein forms R2805H.
Identifiers: ClinVar variation 1622591 (VCV001622591.34), dbSNP rs61740362, ClinGen allele CA8396907.

ClinVar aggregate classification (germline): Benign/Likely benign. Review status: criteria provided, multiple submitters, no conflicts (2 of 4 stars). 4 submissions from 4 submitters: Benign (2); Likely benign (1). 1 of the submissions does not count toward it. Last evaluated 2026-02-02.

Conditions:
DNAH9-related disorder. Also called: DNAH9-related condition.

Allele frequency attached by ClinVar (database versions not stated): 1000 Genomes Project 30x 0.00031; 1000 Genomes Project 0.00040; gnomAD exomes 0.00391 and 0.00407; ExAC 0.00398; ESP Exome Variant Server 0.00438.

Submissions (4):

Labcorp Genetics (formerly Invitae), Labcorp
Classification: Benign. Last evaluated: 2026-02-02. Review status: criteria provided, single submitter. Criteria: Invitae Variant Classification Sherloc (09022015). Collection method: clinical testing. Allele origin: germline.

CeGaT Center for Human Genetics Tuebingen
Classification: Likely benign. Last evaluated: 2023-04-01. Review status: criteria provided, single submitter. Criteria: CeGaT Center For Human Genetics Tuebingen Variant Classification Criteria Version 2. Collection method: clinical testing. Allele origin: germline. Affected: yes. Observed: 2 variant alleles.
Comment: DNAH9: BP4, BS2

Breakthrough Genomics
Classification: Benign. Review status: criteria provided, single submitter. Criteria: ACMG Guidelines, 2015. Collection method: not provided. Allele origin: germline. Inheritance: Autosomal recessive inheritance. Affected: yes.

PreventionGenetics, part of Exact Sciences
Classification: Benign for DNAH9-related condition. Last evaluated: 2019-08-08. Review status: no assertion criteria provided. Collection method: clinical testing. Allele origin: germline. Not counted in ClinVar's aggregate classification.
Comment: This variant is classified as benign based on ACMG/AMP sequence variant interpretation guidelines (Richards et al. 2015 PMID: 25741868, with internal and published modifications).